The following is an entry in ClinVar:

NM_024753.5(TTC21B):c.2138+1G>T

Gene: TTC21B (tetratricopeptide repeat domain 21B; minus strand). Cytogenetic location: 2q24.3.
Variant type: single nucleotide variant.
Coding change: c.2138+1G>T on transcript NM_024753.5 (MANE Select); the canonical splice donor site of the intron after coding-DNA position 2138, G replaced by T.
Molecular consequence: splice donor variant.
Genome position (GRCh38, 1-based): chr2:165,915,200, C>A on the plus strand (G>T on the coding strand, the complement: TTC21B is on the minus strand). VCF-style: chr2-165915200-C-A. GRCh37 (hg19) VCF-style: chr2-166771710-C-A.
Identifiers: ClinVar variation 2036986 (VCV002036986.4), dbSNP rs1686119579, ClinGen allele CA349058527.

ClinVar aggregate classification (germline): Likely pathogenic (1 of 4 stars; one submission).

Conditions:
Nephronophthisis. Also called: Juvenile Nephronophthisis. Identifiers: Orphanet 655, MedGen C0687120, MONDO:0019005, HP:0000090.
Jeune thoracic dystrophy. Also called: Short-rib thoracic dysplasia; Jeune syndrome; Infantile thoracic dystrophy; Thoracic pelvic phalangeal dystrophy; Jeune's syndrome; Chondroectodermal dysplasia-like syndrome. Identifiers: Orphanet 474, MedGen C0265275, MONDO:0018770.

Allele frequency attached by ClinVar (database versions not stated): gnomAD exomes 0.00001; TOPMed 0.00001.
gnomAD v4.1: 15 of 1,607,110 alleles (0.00093%); highest among the groups gnomAD compares: Non-Finnish European, 0.0013%; no homozygotes.

Submission:

Labcorp Genetics (formerly Invitae), Labcorp
Classification: Likely pathogenic for Jeune thoracic dystrophy; Nephronophthisis. Last evaluated: 2022-05-23. Review status: criteria provided, single submitter. Criteria: Invitae Variant Classification Sherloc (09022015). Collection method: clinical testing. Allele origin: germline.
Comment: In summary, the currently available evidence indicates that the variant is pathogenic, but additional data are needed to prove that conclusively. Therefore, this variant has been classified as Likely Pathogenic. Algorithms developed to predict the effect of sequence changes on RNA splicing suggest that this variant may disrupt the consensus splice site. This sequence change affects a donor splice site in intron 15 of the TTC21B gene. It is expected to disrupt RNA splicing. Variants that disrupt the donor or acceptor splice site typically lead to a loss of protein function (PMID: 16199547), and loss-of-function variants in TTC21B are known to be pathogenic (PMID: 18327258, 21068128, 21258341, 23559409, 24876116, 25492405, 27491411, 29068549). This variant is not present in population databases (gnomAD no frequency). This variant has not been reported in the literature in individuals affected with TTC21B-related conditions.

Literature cited by the submitters: PubMed 16199547; PubMed 18327258; PubMed 21068128; PubMed 21258341; PubMed 23559409; PubMed 24876116; PubMed 25492405; PubMed 27491411; PubMed 29068549.